The following is an entry in ClinVar:

NM_014991.6(WDFY3):c.2282C>T (p.Thr761Met)

Genes: WDFY3 (WD repeat and FYVE domain containing 3; minus strand), WDFY3-AS1 (WDFY3 antisense RNA 1; plus strand). Cytogenetic location: 4q21.23.
Variant type: single nucleotide variant.
Coding change: c.2282C>T on transcript NM_014991.6 (MANE Select); coding-DNA position 2282, C replaced by T.
Protein change: p.Thr761Met; replaces threonine 761 with methionine.
Molecular consequence: missense variant.
Genome position (GRCh38, 1-based): chr4:84,809,950, G>A on the plus strand (C>T on the coding strand, the complement: WDFY3 is on the minus strand). VCF-style: chr4-84809950-G-A. GRCh37 (hg19) VCF-style: chr4-85731103-G-A.
Other names: short protein forms T761M.
Identifiers: ClinVar variation 2690487 (VCV002690487.4), dbSNP rs146013372, ClinGen allele CA2993798.

ClinVar aggregate classification (germline): Likely benign. Review status: criteria provided, single submitter (1 of 4 stars). 2 submissions from 2 submitters: Likely benign (1). 1 of the submissions does not count toward it. Last evaluated 2023-11-02.

Conditions:
Microcephaly 18, primary, autosomal dominant (MCPH18). Identifiers: MedGen C4479608, MONDO:0054593, OMIM 617520.
WDFY3-related disorder.

Allele frequency attached by ClinVar (database versions not stated): ESP Exome Variant Server 0.00015; gnomAD 0.00016; TOPMed 0.00039.
gnomAD v4.1: 87 of 1,613,996 alleles (0.0054%); highest among the groups gnomAD compares: African/African-American, 0.039%; 2 homozygotes.

Submissions (2):

Revvity Omics, Revvity
Classification: Likely benign for Microcephaly 18, primary, autosomal dominant. Last evaluated: 2023-11-02. Review status: criteria provided, single submitter. Criteria: ACMG Guidelines, 2015. Collection method: clinical testing. Allele origin: germline.

PreventionGenetics, part of Exact Sciences
Classification: Likely benign for WDFY3-related condition. Last evaluated: 2023-04-27. Review status: no assertion criteria provided. Collection method: clinical testing. Allele origin: germline. Not counted in ClinVar's aggregate classification.
Comment: This variant is classified as likely benign based on ACMG/AMP sequence variant interpretation guidelines (Richards et al. 2015 PMID: 25741868, with internal and published modifications).